The following is an entry in ClinVar:

ClinVar aggregate classification (germline): Benign/Likely benign. Review status: criteria provided, multiple submitters, no conflicts (2 of 4 stars). 6 submissions from 6 submitters: Benign (2); Likely benign (3). 1 of the submissions does not count toward it. Last evaluated 2024-11-26.

Conditions:
Myoclonic epilepsy, juvenile, susceptibility to, 1. Also called: Myoclonic Epilepsy, Juvenile, 1; EJM1. Identifiers: MedGen C1850778, MONDO:0020752, OMIM 254770.
Absence seizure. Also called: Absence epilepsy. Identifiers: Orphanet 1941, MedGen C0014553.

Allele frequency attached by ClinVar (database versions not stated): gnomAD exomes 0.00056; ExAC 0.00071; gnomAD 0.00198 and 0.00210; TOPMed 0.00227; ESP Exome Variant Server 0.00231; 1000 Genomes Project 30x 0.00297; 1000 Genomes Project 0.00339.
gnomAD v4.1: 629 of 1,613,952 alleles (0.039%); highest among the groups gnomAD compares: African/African-American, 0.7%; 4 homozygotes.

Submissions (6):

Blueprint Genetics
Classification: Likely benign. Last evaluated: 2024-11-26. Review status: criteria provided, single submitter. Criteria: ACMG Guidelines, 2015. Collection method: clinical testing. Allele origin: germline.

Labcorp Genetics (formerly Invitae), Labcorp
Classification: Benign for Myoclonic epilepsy, juvenile, susceptibility to, 1; Absence seizure. Last evaluated: 2024-10-30. Review status: criteria provided, single submitter. Criteria: Invitae Variant Classification Sherloc (09022015). Collection method: clinical testing. Allele origin: germline.

Eurofins Ntd Llc (ga)
Classification: Likely benign. Last evaluated: 2014-08-06. Review status: criteria provided, single submitter. Criteria: EGL Classification Definitions 2015. Collection method: clinical testing. Allele origin: germline.

GeneDx
Classification: Benign. Last evaluated: 2013-09-20. Review status: criteria provided, single submitter. Criteria: GeneDx Variant Classification (06012015). Collection method: clinical testing. Allele origin: germline. Affected: yes.
Comment: This variant is considered likely benign or benign based on one or more of the following criteria: it is a conservative change, it occurs at a poorly conserved position in the protein, it is predicted to be benign by multiple in silico algorithms, and/or has population frequency not consistent with disease.

Breakthrough Genomics
Classification: Likely benign. Review status: criteria provided, single submitter. Criteria: ACMG Guidelines, 2015. Collection method: not provided. Allele origin: germline. Inheritance: Autosomal dominant inheritance. Affected: yes.

Genetic Services Laboratory, University of Chicago
Classification: Likely benign for AllHighlyPenetrant. Review status: no assertion criteria provided. Collection method: clinical testing. Allele origin: germline. Not counted in ClinVar's aggregate classification.
Comment: Likely benign based on allele frequency in 1000 Genomes Project or ESP global frequency and its presence in a patient with a rare or unrelated disease phenotype. NOT Sanger confirmed.

NM_018100.4(EFHC1):c.1155C>T (p.Asn385=)

Gene: EFHC1 (EF-hand domain containing 1; plus strand). Cytogenetic location: 6p12.2.
Variant type: single nucleotide variant.
Coding change: c.1155C>T on transcript NM_018100.4 (MANE Select); coding-DNA position 1155, C replaced by T.
Protein change: p.Asn385=; no amino-acid change (asparagine 385 retained).
Molecular consequence: synonymous variant. On other transcripts: non-coding transcript variant (1).
Genome position (GRCh38, 1-based): chr6:52,469,350, C>T. VCF-style: chr6-52469350-C-T. GRCh37 (hg19) VCF-style: chr6-52334148-C-T.
Other names: p.N385N:AAC>AAT; c.1098C>T, p.Asn366= (NM_001172420.2).
Identifiers: ClinVar variation 128960 (VCV000128960.22), dbSNP rs115913738, ClinGen allele CA152685.